The following is an entry in ClinVar:

ClinVar aggregate classification (germline): Uncertain significance (1 of 4 stars; one submission).

Allele frequency attached by ClinVar (database versions not stated): gnomAD exomes below 0.00001.
gnomAD v4.1: 5 of 1,613,982 alleles (0.00031%); highest among the groups gnomAD compares: Admixed American, 0.0017%; no homozygotes.

Submission:

Labcorp Genetics (formerly Invitae), Labcorp
Classification: Uncertain significance. Last evaluated: 2022-02-14. Review status: criteria provided, single submitter. Criteria: Invitae Variant Classification Sherloc (09022015). Collection method: clinical testing. Allele origin: germline.
Comment: In summary, the available evidence is currently insufficient to determine the role of this variant in disease. Therefore, it has been classified as a Variant of Uncertain Significance. Variants that disrupt the consensus splice site are a relatively common cause of aberrant splicing (PMID: 17576681, 9536098). Algorithms developed to predict the effect of sequence changes on RNA splicing suggest that this variant is not likely to affect RNA splicing. This sequence change falls in intron 2 of the FLAD1 gene. It does not directly change the encoded amino acid sequence of the FLAD1 protein. It affects a nucleotide within the consensus splice site. This variant is present in population databases (no rsID available, gnomAD 0.003%). This variant has not been reported in the literature in individuals affected with FLAD1-related conditions.

Literature cited by the submitters: PubMed 17576681; PubMed 9536098.

NM_025207.5(FLAD1):c.1117+4G>C

Gene: FLAD1 (flavin adenine dinucleotide synthetase 1; plus strand). Cytogenetic location: 1q21.3.
Variant type: single nucleotide variant.
Coding change: c.1117+4G>C on transcript NM_025207.5 (MANE Select); 4 bases into the intron after coding-DNA position 1117, G replaced by C.
Molecular consequence: intron variant. On other transcripts: missense variant (1).
Genome position (GRCh38, 1-based): chr1:154,988,853, G>C. VCF-style: chr1-154988853-G-C. GRCh37 (hg19) VCF-style: chr1-154961329-G-C.
Other names: c.824G>C, p.Arg275Thr (NM_001184892.2); c.826+4G>C (NM_001184891.2, NM_201398.3); short protein forms R275T.
Identifiers: ClinVar variation 2140446 (VCV002140446.3), dbSNP rs1427984074, ClinGen allele CA342749634.